The following is an entry in ClinVar:

NM_003327.4(TNFRSF4):c.580G>T (p.Ala194Ser)

Gene: TNFRSF4 (TNF receptor superfamily member 4; minus strand). Cytogenetic location: 1p36.33.
Variant type: single nucleotide variant.
Coding change: c.580G>T on transcript NM_003327.4 (MANE Select); coding-DNA position 580, G replaced by T.
Protein change: p.Ala194Ser; replaces alanine 194 with serine.
Molecular consequence: missense variant.
Genome position (GRCh38, 1-based): chr1:1,211,996, C>A on the plus strand (G>T on the coding strand, the complement: TNFRSF4 is on the minus strand). VCF-style: chr1-1211996-C-A. GRCh37 (hg19) VCF-style: chr1-1147376-C-A.
Other names: c.580G>T (NM_003327.3); short protein forms A194S.
Identifiers: ClinVar variation 1395882 (VCV001395882.9), dbSNP rs374382066, ClinGen allele CA512415.

ClinVar aggregate classification (germline): Conflicting classifications of pathogenicity. Review status: criteria provided, conflicting classifications (1 of 4 stars). 3 submissions from 3 submitters: Uncertain significance (2); Likely benign (1). Last evaluated 2025-12-03.

Conditions:
Combined immunodeficiency due to OX40 deficiency. Also called: OX40 DEFICIENCY; Immunodeficiency 16. Identifiers: Orphanet 431149, MedGen C3810053, MONDO:0014268, OMIM 615593.

Allele frequency attached by ClinVar (database versions not stated): ExAC 0.00006; ESP Exome Variant Server 0.00016; 1000 Genomes Project 0.00020; gnomAD 0.00023 and 0.00024; TOPMed 0.00029; 1000 Genomes Project 30x 0.00031.

Submissions (3):

Labcorp Genetics (formerly Invitae), Labcorp
Classification: Uncertain significance for Combined immunodeficiency due to OX40 deficiency. Last evaluated: 2025-12-03. Review status: criteria provided, single submitter. Criteria: Invitae Variant Classification Sherloc (09022015). Collection method: clinical testing. Allele origin: germline.
Comment: This sequence change replaces alanine, which is neutral and non-polar, with serine, which is neutral and polar, at codon 194 of the TNFRSF4 protein (p.Ala194Ser). This variant is present in population databases (rs374382066, gnomAD 0.06%), and has an allele count higher than expected for a pathogenic variant. This variant has not been reported in the literature in individuals affected with TNFRSF4-related conditions. ClinVar contains an entry for this variant (Variation ID: 1395882). An algorithm developed to predict the effect of missense changes on protein structure and function outputs the following: PolyPhen-2: "Benign". The serine amino acid residue is found in multiple mammalian species, which suggests that this missense change does not adversely affect protein function. In summary, the available evidence is currently insufficient to determine the role of this variant in disease. Therefore, it has been classified as a Variant of Uncertain Significance.

Ambry Genetics
Classification: Uncertain significance. Last evaluated: 2024-10-06. Review status: criteria provided, single submitter. Criteria: Ambry Variant Classification Scheme 2023. Collection method: clinical testing. Allele origin: germline.

Blueprint Genetics
Classification: Likely benign. Last evaluated: 2023-10-25. Review status: criteria provided, single submitter. Criteria: ACMG Guidelines, 2015. Collection method: clinical testing. Allele origin: germline.